The following is an entry in ClinVar:

ClinVar aggregate classification (germline): Benign. Review status: criteria provided, multiple submitters, no conflicts (2 of 4 stars). 10 submissions from 10 submitters: Benign (9). 1 of the submissions does not count toward it. Last evaluated 2025-04-25.

Conditions:
Autosomal dominant polycystic kidney disease. Identifiers: Orphanet 730, MedGen C0085413, MONDO:0004691.
Polycystic kidney disease, adult type (PKD1). Also called: Polycystic Kidney, Autosomal Dominant; Polycystic Kidney Disease 1, Autosomal Dominant; Polycystic kidney disease 1; Polycystic kidney disease 1, severe; POLYCYSTIC KIDNEY DISEASE 1 WITH OR WITHOUT POLYCYSTIC LIVER DISEASE; POLYCYSTIC KIDNEY DISEASE, ADULT, TYPE I. Identifiers: MedGen C3149841, MONDO:0008263, OMIM 173900.
Polycystic kidney disease. Also called: Polycystic kidney dysplasia; Kidney, Polycystic. Identifiers: MedGen C0022680, MeSH D007690, MONDO:0020642, HP:0000113.

Allele frequency attached by ClinVar (database versions not stated): 1000 Genomes Project 30x 0.00765; 1000 Genomes Project 0.00819; TOPMed 0.01193; ESP Exome Variant Server 0.01201; gnomAD exomes 0.01315 and 0.01853; ExAC 0.01355; gnomAD 0.01389 and 0.01413.
gnomAD v4.1: 27,824 of 1,553,324 alleles (1.8%); highest among the groups gnomAD compares: Non-Finnish European, 2.1%; 308 homozygotes.

Submissions (29):

Women's Health and Genetics/Laboratory Corporation of America, LabCorp
Classification: Benign. Last evaluated: 2025-04-25. Review status: criteria provided, single submitter. Criteria: LabCorp Variant Classification Summary - May 2015. Collection method: clinical testing. Allele origin: germline.

Blueprint Genetics
Classification: Benign. Last evaluated: 2024-11-27. Review status: criteria provided, single submitter. Criteria: ACMG Guidelines, 2015. Collection method: clinical testing. Allele origin: germline.

Athena Diagnostics
Classification: Benign. Last evaluated: 2024-07-24. Review status: criteria provided, single submitter. Criteria: Athena Diagnostics Criteria. Collection method: clinical testing. Allele origin: unknown.

Mayo Clinic Laboratories, Mayo Clinic
Classification: Benign. Last evaluated: 2023-01-06. Review status: criteria provided, single submitter. Criteria: ACMG Guidelines, 2015. Collection method: clinical testing. Allele origin: germline. Observed: 17 variant alleles.
Comment: BS1, BS2, BP4, BP7

ARUP Laboratories, Molecular Genetics and Genomics, ARUP Laboratories
Classification: Benign for Polycystic kidney disease, adult type. Last evaluated: 2020-03-23. Review status: criteria provided, single submitter. Criteria: ARUP Molecular Germline Variant Investigation Process. Collection method: clinical testing. Allele origin: germline.

GeneDx
Classification: Benign. Last evaluated: 2019-10-17. Review status: criteria provided, single submitter. Criteria: GeneDx Variant Classification Process June 2021. Collection method: clinical testing. Allele origin: germline. Affected: yes.
Comment: This variant is associated with the following publications: (PMID: 11967008, 11857740, 10854095)

Molecular Genetics of Inherited Kidney Disorders Laboratory, Garvan Institute of Medical Research
Classification: Benign for Autosomal dominant polycystic kidney disease. Last evaluated: 2019-01-01. Review status: criteria provided, single submitter. Criteria: ACMG Guidelines, 2015. Collection method: research. Allele origin: germline. Affected: yes.

Breakthrough Genomics
Classification: Benign. Review status: criteria provided, single submitter. Criteria: ACMG Guidelines, 2015. Collection method: not provided. Allele origin: germline. Inheritance: Autosomal dominant inheritance. Affected: yes.

PreventionGenetics, part of Exact Sciences
Classification: Benign. Review status: criteria provided, single submitter. Criteria: ACMG Guidelines, 2015. Collection method: clinical testing. Allele origin: germline.

Department of Pathology and Laboratory Medicine, Sinai Health System
Classification: Benign for Polycystic Kidney disease. Review status: no assertion criteria provided. Collection method: clinical testing. Allele origin: unknown. Affected: yes. Study: The Canadian Open Genetics Repository (COGR). Not counted in ClinVar's aggregate classification.
Comment: The PKD1 p.Gly2309Gly variant was identified in 17 of 732 proband chromosomes (frequency: 0.023) from individuals or families with ADPKD or renal disease, and was not identified in 100 control chromosomes from healthy individuals (Bataille 2011, Garcia-Gonzalez 2007, McCluskey 2002, Rossetti 2012). The above studies determined this variant to be classified as a polymorphism based on either it being a synonymous variant, in silico analysis or interspecies conservation. The p.Gly2309Gly variant was identified in the dbSNP (ID: rs189277711) with unknown clinical significance with a minor allele frequency 0.0082 (41 of 5000 chromosomes in 1000 Genome Project). In the NHLBI Exome Sequencing Project, the variant was identified in 119 of 7256 alleles (frequency: 0.0164) in European Americans and 10 of 3486 African Americans (frequency: 0.00286). The variant was identified in the Exome Aggregation Consortium database (March 14, 2016) in 214 of 15790 alleles, 5 of which are homozygous (frequency: 0.0135) or 6 of 56 of European (Finnish), 138 of 5652 European (Non-Finnish), 8 of 380 Latino, 7 of 1120 African, 54 of 7844 South Asians, 1 of 168 other alleles and was not found in East Asians. The variant was identified in the ADPKD Mutation Database and classified as likely neutral. The c.6927C>T variant occurs outside of the splicing consensus sequence and 4 of 5 in silico or computational prediction software programs (SpliceSiteFinder, MaxEntScan, NNSPLICE, GeneSplicer, HumanSpliceFinder) predict a location change of a cryptic 5â€šÃ„Ã´ splice donor site; this is not very predictive of pathogenicity. The p.Gly2309Gly variant is not expected to have clinical significance because it does not result in a change of amino acid and is not located in a known consensus splice site. In addition this variant was identified by our laboratory as co-occurring with pathogenic PKD1 variants in two different families with polycystic kidney disease (PKD1, EXON43, c.11798_11810del, p.Leu3933ArgfsX8 and c.2215C>T, p.Gln739X), increasing the likelihood that this variant does not have clinical significance. In summary, based on the above information, this variant meets our criteria to be classified as benign.

Dr. Peter K. Rogan Lab, Western University
No classification provided (evidence only). Condition: Familial cancer of breast. Review status: no classification provided. Collection method: in vitro. Allele origin: not applicable. Functional consequence: retained intron. Not counted in ClinVar's aggregate classification.

Dr. Peter K. Rogan Lab, Western University
No classification provided (evidence only). Condition: Familial cancer of breast. Review status: no classification provided. Collection method: in vitro. Allele origin: not applicable. Functional consequence: retained intron. Not counted in ClinVar's aggregate classification.

Dr. Peter K. Rogan Lab, Western University
No classification provided (evidence only). Condition: Familial cancer of breast. Review status: no classification provided. Collection method: in vitro. Allele origin: not applicable. Functional consequence: retained intron. Not counted in ClinVar's aggregate classification.

Dr. Peter K. Rogan Lab, Western University
No classification provided (evidence only). Condition: Colon adenocarcinoma. Review status: no classification provided. Collection method: in vitro. Allele origin: not applicable. Functional consequence: retained intron. Not counted in ClinVar's aggregate classification.

Dr. Peter K. Rogan Lab, Western University
No classification provided (evidence only). Condition: Colon adenocarcinoma. Review status: no classification provided. Collection method: in vitro. Allele origin: not applicable. Functional consequence: skipped exon. Not counted in ClinVar's aggregate classification.

Dr. Peter K. Rogan Lab, Western University
No classification provided (evidence only). Condition: Colon adenocarcinoma. Review status: no classification provided. Collection method: in vitro. Allele origin: not applicable. Functional consequence: skipped exon. Not counted in ClinVar's aggregate classification.

Dr. Peter K. Rogan Lab, Western University
No classification provided (evidence only). Condition: Cervical cancer. Review status: no classification provided. Collection method: in vitro. Allele origin: not applicable. Functional consequence: skipped exon. Not counted in ClinVar's aggregate classification.

Dr. Peter K. Rogan Lab, Western University
No classification provided (evidence only). Condition: Cervical cancer. Review status: no classification provided. Collection method: in vitro. Allele origin: not applicable. Functional consequence: skipped exon, retained intron. Not counted in ClinVar's aggregate classification.

Dr. Peter K. Rogan Lab, Western University
No classification provided (evidence only). Condition: Cervical cancer. Review status: no classification provided. Collection method: in vitro. Allele origin: not applicable. Functional consequence: retained intron. Not counted in ClinVar's aggregate classification.

Dr. Peter K. Rogan Lab, Western University
No classification provided (evidence only). Condition: Cervical cancer. Review status: no classification provided. Collection method: in vitro. Allele origin: not applicable. Functional consequence: skipped exon. Not counted in ClinVar's aggregate classification.

Dr. Peter K. Rogan Lab, Western University
No classification provided (evidence only). Condition: Sarcoma. Review status: no classification provided. Collection method: in vitro. Allele origin: not applicable. Functional consequence: skipped exon, retained intron. Not counted in ClinVar's aggregate classification.

Dr. Peter K. Rogan Lab, Western University
No classification provided (evidence only). Condition: Sarcoma. Review status: no classification provided. Collection method: in vitro. Allele origin: not applicable. Functional consequence: skipped exon, retained intron. Not counted in ClinVar's aggregate classification.

Dr. Peter K. Rogan Lab, Western University
No classification provided (evidence only). Condition: Sarcoma. Review status: no classification provided. Collection method: in vitro. Allele origin: not applicable. Functional consequence: skipped exon. Not counted in ClinVar's aggregate classification.

Dr. Peter K. Rogan Lab, Western University
No classification provided (evidence only). Condition: Sarcoma. Review status: no classification provided. Collection method: in vitro. Allele origin: not applicable. Functional consequence: retained intron. Not counted in ClinVar's aggregate classification.

Dr. Peter K. Rogan Lab, Western University
No classification provided (evidence only). Condition: Ovarian serous cystadenocarcinoma. Review status: no classification provided. Collection method: in vitro. Allele origin: not applicable. Functional consequence: retained intron. Not counted in ClinVar's aggregate classification.

Dr. Peter K. Rogan Lab, Western University
No classification provided (evidence only). Condition: Ovarian serous cystadenocarcinoma. Review status: no classification provided. Collection method: in vitro. Allele origin: not applicable. Functional consequence: retained intron. Not counted in ClinVar's aggregate classification.

Dr. Peter K. Rogan Lab, Western University
No classification provided (evidence only). Condition: Adrenocortical carcinoma, hereditary. Review status: no classification provided. Collection method: in vitro. Allele origin: not applicable. Functional consequence: retained intron. Not counted in ClinVar's aggregate classification.

Dr. Peter K. Rogan Lab, Western University
No classification provided (evidence only). Condition: Malignant tumor of esophagus. Review status: no classification provided. Collection method: in vitro. Allele origin: not applicable. Functional consequence: skipped exon. Not counted in ClinVar's aggregate classification.

Dr. Peter K. Rogan Lab, Western University
No classification provided (evidence only). Condition: Malignant tumor of esophagus. Review status: no classification provided. Collection method: in vitro. Allele origin: not applicable. Functional consequence: skipped exon. Not counted in ClinVar's aggregate classification.

Literature cited by the submitters: PubMed 18837007 (cited by Athena Diagnostics); PubMed 22008521 (cited by Athena Diagnostics); PubMed 24374109 (cited by Athena Diagnostics); PubMed 10854095 (cited by Athena Diagnostics); PubMed 22383692 (cited by Athena Diagnostics); PubMed 25646624 (cited by Athena Diagnostics).

NM_001009944.3(PKD1):c.6927C>T (p.Gly2309=)

Gene: PKD1 (polycystin 1, transient receptor potential channel interacting; minus strand). Cytogenetic location: 16p13.3.
Variant type: single nucleotide variant.
Coding change: c.6927C>T on transcript NM_001009944.3 (MANE Select); coding-DNA position 6927, C replaced by T.
Protein change: p.Gly2309=; no amino-acid change (glycine 2309 retained).
Molecular consequence: synonymous variant.
Genome position (GRCh38, 1-based): chr16:2,108,021, G>A on the plus strand (C>T on the coding strand, the complement: PKD1 is on the minus strand). VCF-style: chr16-2108021-G-A. GRCh37 (hg19) VCF-style: chr16-2158022-G-A.
Other names: p.Gly2309=; c.6927C>T, p.Gly2309= (NM_000296.4).
Identifiers: ClinVar variation 256994 (VCV000256994.22), dbSNP rs189277711, ClinGen allele CA7831368.